The following is an entry in ClinVar:

ClinVar aggregate classification (germline): Uncertain significance. Review status: criteria provided, multiple submitters, no conflicts (2 of 4 stars). 3 submissions from 3 submitters: Uncertain significance (3). Last evaluated 2025-10-17.

Conditions:
Cardiovascular phenotype. Identifiers: MedGen CN230736.
Dilated cardiomyopathy 1DD (CMD1DD). Identifiers: Orphanet 154, MedGen C2750995, MONDO:0013168, OMIM 613172.

Allele frequency attached by ClinVar (database versions not stated): gnomAD exomes 0.00002; TOPMed 0.00002; gnomAD 0.00009 and 0.00010.

Submissions (3):

Labcorp Genetics (formerly Invitae), Labcorp
Classification: Uncertain significance for Dilated cardiomyopathy 1DD. Last evaluated: 2025-10-17. Review status: criteria provided, single submitter. Criteria: Invitae Variant Classification Sherloc (09022015). Collection method: clinical testing. Allele origin: germline.
Comment: This sequence change replaces arginine, which is basic and polar, with tryptophan, which is neutral and slightly polar, at codon 102 of the RBM20 protein (p.Arg102Trp). This variant is present in population databases (rs794729160, gnomAD 0.01%). This variant has not been reported in the literature in individuals affected with RBM20-related conditions. ClinVar contains an entry for this variant (Variation ID: 202079). Invitae Evidence Modeling of protein sequence and biophysical properties (such as structural, functional, and spatial information, amino acid conservation, physicochemical variation, residue mobility, and thermodynamic stability) has been performed for this missense variant. However, the output from this modeling did not meet the statistical confidence thresholds required to predict the impact of this variant on RBM20 protein function. In summary, the available evidence is currently insufficient to determine the role of this variant in disease. Therefore, it has been classified as a Variant of Uncertain Significance.

GeneDx
Classification: Uncertain significance. Last evaluated: 2024-09-30. Review status: criteria provided, single submitter. Criteria: GeneDx Variant Classification Process June 2021. Collection method: clinical testing. Allele origin: germline. Affected: yes.
Comment: Has not been previously published as pathogenic or benign to our knowledge; In silico analysis supports that this missense variant has a deleterious effect on protein structure/function

Ambry Genetics
Classification: Uncertain significance for Cardiovascular phenotype. Last evaluated: 2022-07-25. Review status: criteria provided, single submitter. Criteria: Ambry Variant Classification Scheme 2023. Collection method: clinical testing. Allele origin: germline.
Comment: The p.R102W variant (also known as c.304C>T), located in coding exon 2 of the RBM20 gene, results from a C to T substitution at nucleotide position 304. The arginine at codon 102 is replaced by tryptophan, an amino acid with dissimilar properties. This amino acid position is conserved. In addition, this alteration is predicted to be deleterious by in silico analysis. Since supporting evidence is limited at this time, the clinical significance of this alteration remains unclear.

NM_001134363.3(RBM20):c.304C>T (p.Arg102Trp)

Gene: RBM20 (RNA binding motif protein 20; plus strand). Cytogenetic location: 10q25.2.
Variant type: single nucleotide variant.
Coding change: c.304C>T on transcript NM_001134363.3 (MANE Select); coding-DNA position 304, C replaced by T.
Protein change: p.Arg102Trp; replaces arginine 102 with tryptophan.
Molecular consequence: missense variant.
Genome position (GRCh38, 1-based): chr10:110,780,913, C>T. VCF-style: chr10-110780913-C-T. GRCh37 (hg19) VCF-style: chr10-112540671-C-T.
Other names: p.R102W:CGG>TGG; c.304C>T (LRG_382t1); short protein forms R102W.
Identifiers: ClinVar variation 202079 (VCV000202079.15), dbSNP rs794729160, ClinGen allele CA335581.